The following is an entry in ClinVar:

NM_001114753.3(ENG):c.1407G>A (p.Pro469=)

Genes: ENG (endoglin; minus strand), LOC102723566 (uncharacterized LOC102723566; plus strand). Cytogenetic location: 9q34.11.
Variant type: single nucleotide variant.
Coding change: c.1407G>A on transcript NM_001114753.3 (MANE Select); coding-DNA position 1407, G replaced by A.
Protein change: p.Pro469=; no amino-acid change (proline 469 retained).
Molecular consequence: synonymous variant.
Genome position (GRCh38, 1-based): chr9:127,818,737, C>T on the plus strand (G>A on the coding strand, the complement: ENG is on the minus strand). VCF-style: chr9-127818737-C-T. GRCh37 (hg19) VCF-style: chr9-130581016-C-T.
Other names: c.1407G>A, p.Pro469= (NM_000118.4); c.861G>A, p.Pro287= (NM_001278138.2); c.1407G>A (NM_000118.2).
Identifiers: ClinVar variation 237018 (VCV000237018.24), dbSNP rs41302657, ClinGen allele CA5252787.

ClinVar aggregate classification (germline): Benign/Likely benign. Review status: criteria provided, multiple submitters, no conflicts (2 of 4 stars). 7 submissions from 7 submitters: Benign (1); Likely benign (6). Last evaluated 2026-07-01.

Conditions:
Hereditary hemorrhagic telangiectasia (HHT). Also called: Osler hemorrhagic telangiectasia syndrome; ORW DISEASE; Osler Weber Rendu syndrome; OSLER-RENDU-WEBER DISEASE. Identifiers: Orphanet 774, MedGen C0039445, MONDO:0019180. Disease mechanism: loss of function.
Cardiovascular phenotype. Identifiers: MedGen CN230736.
Telangiectasia, hereditary hemorrhagic, type 1 (HHT1). Also called: Osler Weber Rendu syndrome type 1; ENG-Related Hereditary Hemorrhagic Telangiectasia. Identifiers: Orphanet 774, MedGen C4551861, MONDO:0008535, OMIM 187300. Disease mechanism: loss of function.

Allele frequency attached by ClinVar (database versions not stated): ExAC 0.00034; 1000 Genomes Project 0.00040; gnomAD exomes 0.00040 and 0.00042; gnomAD 0.00044 and 0.00048; ESP Exome Variant Server 0.00046; 1000 Genomes Project 30x 0.00047; TOPMed 0.00064.
gnomAD v4.1: 683 of 1,614,074 alleles (0.042%); highest among the groups gnomAD compares: Admixed American, 0.098%; 1 homozygote.

Submissions (7):

CeGaT Center for Human Genetics Tuebingen
Classification: Likely benign. Last evaluated: 2026-07-01. Review status: criteria provided, single submitter. Criteria: CeGaT Center For Human Genetics Tuebingen Variant Classification Criteria Version 2. Collection method: clinical testing. Allele origin: germline. Affected: yes. Observed: 3 variant alleles.
Comment: ENG: BP4, BP7

Labcorp Genetics (formerly Invitae), Labcorp
Classification: Benign for Hereditary hemorrhagic telangiectasia. Last evaluated: 2026-01-28. Review status: criteria provided, single submitter. Criteria: Invitae Variant Classification Sherloc (09022015). Collection method: clinical testing. Allele origin: germline.

ARUP Laboratories, Molecular Genetics and Genomics, ARUP Laboratories
Classification: Likely benign for Telangiectasia, hereditary hemorrhagic, type 1. Last evaluated: 2024-07-25. Review status: criteria provided, single submitter. Criteria: ARUP Molecular Germline Variant Investigation Process 2024. Collection method: clinical testing. Allele origin: germline.

Blueprint Genetics
Classification: Likely benign. Last evaluated: 2024-04-12. Review status: criteria provided, single submitter. Criteria: ACMG Guidelines, 2015. Collection method: clinical testing. Allele origin: germline.

GeneDx
Classification: Likely benign. Last evaluated: 2019-05-10. Review status: criteria provided, single submitter. Criteria: GeneDx Variant Classification Process June 2021. Collection method: clinical testing. Allele origin: germline. Affected: yes.
Comment: This variant is associated with the following publications: (PMID: 17384219)

Ambry Genetics
Classification: Likely benign for Cardiovascular phenotype. Last evaluated: 2019-01-21. Review status: criteria provided, single submitter. Criteria: Ambry Variant Classification Scheme 2023. Collection method: clinical testing. Allele origin: germline.

Illumina Laboratory Services, Illumina
Classification: Likely benign for Telangiectasia, hereditary hemorrhagic, type 1. Last evaluated: 2018-01-12. Review status: criteria provided, single submitter. Criteria: ICSL Variant Classification Criteria 13 December 2019. Collection method: clinical testing. Allele origin: germline.
Comment: This variant was observed in the ICSL laboratory as part of a predisposition screen in an ostensibly healthy population. It had not been previously curated by ICSL or reported in the Human Gene Mutation Database (HGMD: prior to June 1st, 2018), and was therefore a candidate for classification through an automated scoring system. Utilizing variant allele frequency, disease prevalence and penetrance estimates, and inheritance mode, an automated score was calculated to assess if this variant is too frequent to cause the disease. Based on the score and internal cut-off values, a variant classified as likely benign is not then subjected to further curation. The score for this variant resulted in a classification of likely benign for this disease.